The following is an entry in ClinVar:

Conditions:
Breast-ovarian cancer, familial, susceptibility to, 1 (BROVCA1). Also called: BRCA1 Hereditary Breast and Ovarian Cancer; OVARIAN CANCER, SUSCEPTIBILITY TO. Identifiers: Orphanet 145, MedGen C2676676, MONDO:0011450, OMIM 604370. Disease mechanism: loss of function.

Submission:

Brotman Baty Institute, University of Washington
No classification provided (evidence only). Condition: Breast-ovarian cancer, familial 1. Review status: no classification provided. Collection method: in vitro. Allele origin: not applicable. Functional consequence: functionally_normal.
ClinVar note: "not provided" was previously submitted as the classification for the variant. However, the classification appeared to be based only on an observation of functional data so it was converted to no classification on 2025-07-30.

NM_007294.4(BRCA1):c.234A>T (p.Arg78Ser)

Gene: BRCA1 (BRCA1 DNA repair associated; minus strand). Cytogenetic location: 17q21.31.
Variant type: single nucleotide variant.
Coding change: c.234A>T on transcript NM_007294.4 (MANE Select); coding-DNA position 234, A replaced by T.
Protein change: p.Arg78Ser; replaces arginine 78 with serine.
Molecular consequence: missense variant. On other transcripts: non-coding transcript variant (1).
Genome position (GRCh38, 1-based): chr17:43,104,935, T>A on the plus strand (A>T on the coding strand, the complement: BRCA1 is on the minus strand). VCF-style: chr17-43104935-T-A. GRCh37 (hg19) VCF-style: chr17-41256952-T-A.
Other names: c.234A>T, p.Arg78Ser (NM_001407666.1, NM_001407667.1, NM_001407668.1 and 168 more transcripts); c.93A>T, p.Arg31Ser (NM_001407692.1, NM_001407694.1, NM_001407695.1 and 99 more transcripts); c.24A>T, p.Arg8Ser (NM_001407853.1, NM_001407879.1, NM_001407881.1 and 58 more transcripts); c.156A>T, p.Arg52Ser (NM_001407862.1, NM_001407874.1, NM_001407875.1 and 21 more transcripts); c.-148A>T (NM_001407959.1, NM_001407960.1, NM_001407962.1 and 4 more transcripts); c.102A>T, p.Arg34Ser (NM_001408451.1); short protein forms R31S, R78S, R34S, R52S, R8S.
Identifiers: ClinVar variation 867364 (VCV000867364.3), dbSNP rs2054692277, ClinGen allele CA10601692.